The following is an entry in ClinVar:

ClinVar aggregate classification (germline): Conflicting classifications of pathogenicity. Review status: criteria provided, conflicting classifications (1 of 4 stars). 8 submissions from 8 submitters: Uncertain significance (1); Likely benign (6). 1 of the submissions does not count toward it. Last evaluated 2026-06-24.

Conditions:
Alport syndrome. Also called: Hemorrhagic familial nephritis; Hemorrhagic hereditary nephritis; Congenital hereditary hematuria. Identifiers: Orphanet 63, MedGen C1567741, MONDO:0018965.
Autosomal recessive Alport syndrome (ATS2). Also called: Alport syndrome type 2; COL4A4 Alport Syndrome and Thin Basement Membrane Nephropathy; COL4A3-Related Nephropathy; ALPORT SYNDROME 2, AUTOSOMAL RECESSIVE. Identifiers: Orphanet 63, Orphanet 88919, MedGen C4746745, MONDO:0008762, OMIM 203780.
Autosomal dominant Alport syndrome (ATS3A). Also called: Alport syndrome dominant type; Renal failure and sensorineural hearing loss; ALPORT SYNDROME 3A, AUTOSOMAL DOMINANT. Identifiers: Orphanet 63, Orphanet 88918, MedGen C5882663, MONDO:0007086, OMIM 104200.

Allele frequency attached by ClinVar (database versions not stated): gnomAD 0.00005 and 0.00012; TOPMed 0.00008; ESP Exome Variant Server 0.00017; gnomAD exomes 0.00018 and 0.00038; ExAC 0.00039; 1000 Genomes Project 0.00040; 1000 Genomes Project 30x 0.00047.
gnomAD v4.1: 290 of 1,614,076 alleles (0.018%); highest among the groups gnomAD compares: South Asian, 0.2%; no homozygotes.

Submissions (8):

Women's Health and Genetics/Laboratory Corporation of America, LabCorp
Classification: Likely benign. Last evaluated: 2026-06-24. Review status: criteria provided, single submitter. Criteria: LabCorp Variant Classification Summary - May 2015. Collection method: clinical testing. Allele origin: germline.

Labcorp Genetics (formerly Invitae), Labcorp
Classification: Likely benign. Last evaluated: 2026-01-25. Review status: criteria provided, single submitter. Criteria: Invitae Variant Classification Sherloc (09022015). Collection method: clinical testing. Allele origin: germline.

Mayo Clinic Laboratories, Mayo Clinic
Classification: Likely benign. Last evaluated: 2025-10-04. Review status: criteria provided, single submitter. Criteria: ACMG Guidelines, 2015. Collection method: clinical testing. Allele origin: germline. Observed: 2 variant alleles.
Comment: BP4, BP7

Blueprint Genetics
Classification: Likely benign. Last evaluated: 2024-02-06. Review status: criteria provided, single submitter. Criteria: ACMG Guidelines, 2015. Collection method: clinical testing. Allele origin: germline.

Genome-Nilou Lab
Classification: Likely benign for Autosomal recessive Alport syndrome. Last evaluated: 2021-05-18. Review status: criteria provided, single submitter. Criteria: ACMG Guidelines, 2015. Collection method: clinical testing. Allele origin: germline. Affected: no.

Illumina Laboratory Services, Illumina
Classification: Uncertain significance for Alport syndrome. Last evaluated: 2018-01-13. Review status: criteria provided, single submitter. Criteria: ICSL Variant Classification Criteria 13 December 2019. Collection method: clinical testing. Allele origin: germline.

Laboratory for Molecular Medicine, Mass General Brigham Personalized Medicine
Classification: Likely benign. Last evaluated: 2017-08-23. Review status: criteria provided, single submitter. Criteria: LMM Criteria. Collection method: clinical testing. Allele origin: germline. Observed: 1 variant allele.
Comment: p.Leu1494Leu in exon 49 of COL4A3: This variant is not expected to have clinical significance because it does not alter an amino acid residue and is not located within the splice consensus sequence. It has been identified in 0.18% (30/16510 ) of South Asian chromosomes by the Exome Aggregation Consortium (ExAC; dbSNP rs181952966).

Natera, Inc.
Classification: Likely benign for Autosomal dominant Alport syndrome. Last evaluated: 2020-06-04. Review status: no assertion criteria provided. Collection method: clinical testing. Allele origin: germline. Not counted in ClinVar's aggregate classification.

NM_000091.5(COL4A3):c.4482G>A (p.Leu1494=)

Genes: MFF-DT (MFF divergent transcript; minus strand), COL4A3 (collagen type IV alpha 3 chain; plus strand). Cytogenetic location: 2q36.3.
Variant type: single nucleotide variant.
Coding change: c.4482G>A on transcript NM_000091.5 (MANE Select); coding-DNA position 4482, G replaced by A.
Protein change: p.Leu1494=; no amino-acid change (leucine 1494 retained).
Molecular consequence: synonymous variant.
Genome position (GRCh38, 1-based): chr2:227,308,918, G>A. VCF-style: chr2-227308918-G-A. GRCh37 (hg19) VCF-style: chr2-228173634-G-A.
Other names: p.Leu1494=.
Identifiers: ClinVar variation 334784 (VCV000334784.26), dbSNP rs181952966, ClinGen allele CA2147561.